The following is an entry in ClinVar:

ClinVar aggregate classification (germline): Uncertain significance (1 of 4 stars; one submission).

Submission:

Ambry Genetics
Classification: Uncertain significance. Last evaluated: 2025-12-06. Review status: criteria provided, single submitter. Criteria: Ambry Variant Classification Scheme 2023. Collection method: clinical testing. Allele origin: germline.
Comment: The p.P894H variant (also known as c.2681C>A), located in coding exon 13 of the GEN1 gene, results from a C to A substitution at nucleotide position 2681. The proline at codon 894 is replaced by histidine, an amino acid with similar properties. This amino acid position is conserved. In addition, the in silico prediction for this alteration is inconclusive. Based on the available evidence, the clinical significance of this variant remains unclear.

NM_001130009.3(GEN1):c.2681C>A (p.Pro894His)

Gene: GEN1 (GEN1 structure-specific endonuclease; plus strand). Cytogenetic location: 2p24.2.
Variant type: single nucleotide variant.
Coding change: c.2681C>A on transcript NM_001130009.3 (MANE Select); coding-DNA position 2681, C replaced by A.
Protein change: p.Pro894His; replaces proline 894 with histidine.
Molecular consequence: missense variant.
Genome position (GRCh38, 1-based): chr2:17,781,893, C>A. VCF-style: chr2-17781893-C-A. GRCh37 (hg19) VCF-style: chr2-17963160-C-A.
Other names: c.2681C>A, p.Pro894His (NM_182625.5); short protein forms P894H.
Identifiers: ClinVar variation 4671521 (VCV004671521.1).